The following is an entry in ClinVar:

ClinVar aggregate classification (germline): Pathogenic (1 of 4 stars; one submission).

Conditions:
Exostoses, multiple, type 2 (EXT2). Also called: EXOSTOSES, MULTIPLE, TYPE II; Hereditary Multiple Osteochondromatosis, Type II. Identifiers: Orphanet 321, MedGen C1851413, MONDO:0007586, OMIM 133701.

Submission:

Labcorp Genetics (formerly Invitae), Labcorp
Classification: Pathogenic for Exostoses, multiple, type 2. Last evaluated: 2025-03-17. Review status: criteria provided, single submitter. Criteria: Invitae Variant Classification Sherloc (09022015). Collection method: clinical testing. Allele origin: germline.
Comment: This sequence change replaces aspartic acid, which is acidic and polar, with glycine, which is neutral and non-polar, at codon 227 of the EXT2 protein (p.Asp227Gly). This variant is not present in population databases (gnomAD no frequency). This missense change has been observed in individual(s) with autosomal dominant EXT2-related conditions (internal data). ClinVar contains an entry for this variant (Variation ID: 1352684). Invitae Evidence Modeling of protein sequence and biophysical properties (such as structural, functional, and spatial information, amino acid conservation, physicochemical variation, residue mobility, and thermodynamic stability) indicates that this missense variant is expected to disrupt EXT2 protein function with a positive predictive value of 95%. This variant disrupts the p.Asp227 amino acid residue in EXT2. Other variant(s) that disrupt this residue have been determined to be pathogenic (PMID: 9326317, 11432960, 17041877, 17589361, 19344451, 24496678, 26961984). This suggests that this residue is clinically significant, and that variants that disrupt this residue are likely to be disease-causing. For these reasons, this variant has been classified as Pathogenic.

Literature cited by the submitters: PubMed 9326317; PubMed 11432960; PubMed 17041877; PubMed 17589361; PubMed 19344451; PubMed 24496678; PubMed 26961984.

NM_207122.2(EXT2):c.680A>G (p.Asp227Gly)

Gene: EXT2 (exostosin glycosyltransferase 2; plus strand). Cytogenetic location: 11p11.2.
Variant type: single nucleotide variant.
Coding change: c.680A>G on transcript NM_207122.2 (MANE Select); coding-DNA position 680, A replaced by G.
Protein change: p.Asp227Gly; replaces aspartic acid 227 with glycine.
Molecular consequence: missense variant.
Genome position (GRCh38, 1-based): chr11:44,114,238, A>G. VCF-style: chr11-44114238-A-G. GRCh37 (hg19) VCF-style: chr11-44135788-A-G.
Other names: c.779A>G, p.Asp260Gly (NM_000401.3); c.680A>G, p.Asp227Gly (NM_001178083.3, NM_001389628.1, NM_001389630.1); short protein forms D260G, D227G.
Identifiers: ClinVar variation 1352684 (VCV001352684.10), dbSNP rs2134984829, ClinGen allele CA380164483.